The following is an entry in ClinVar:

NM_000168.6(GLI3):c.4427A>T (p.Asn1476Ile)

Gene: GLI3 (GLI family zinc finger 3; minus strand). Cytogenetic location: 7p14.1.
Variant type: single nucleotide variant.
Coding change: c.4427A>T on transcript NM_000168.6 (MANE Select); coding-DNA position 4427, A replaced by T.
Protein change: p.Asn1476Ile; replaces asparagine 1476 with isoleucine.
Molecular consequence: missense variant.
Genome position (GRCh38, 1-based): chr7:41,964,646, T>A on the plus strand (A>T on the coding strand, the complement: GLI3 is on the minus strand). VCF-style: chr7-41964646-T-A. GRCh37 (hg19) VCF-style: chr7-42004244-T-A.
Other names: c.4427A>T (NM_000168.5); short protein forms N1476I.
Identifiers: ClinVar variation 1447837 (VCV001447837.13), dbSNP rs138100963, ClinGen allele CA4230133.

ClinVar aggregate classification (germline): Conflicting classifications of pathogenicity. Review status: criteria provided, conflicting classifications (1 of 4 stars). 5 submissions from 5 submitters: Uncertain significance (1); Likely benign (3). 1 of the submissions does not count toward it. Last evaluated 2024-09-10.

Conditions:
Greig cephalopolysyndactyly syndrome (GCPS). Also called: Greig syndrome; GLI3-Related Greig Cephalopolysyndactyly Syndrome; POLYSYNDACTYLY WITH PECULIAR SKULL SHAPE. Identifiers: Orphanet 380, MedGen C0265306, MONDO:0008287, OMIM 175700.
Pallister-Hall syndrome (PHS). Also called: GLI3-Related Pallister-Hall Syndrome; HYPOTHALAMIC HAMARTOBLASTOMA, HYPOPITUITARISM, IMPERFORATE ANUS, AND POSTAXIAL POLYDACTYLY. Identifiers: Orphanet 672, MedGen C0265220, MONDO:0007804, OMIM 146510.
Polysyndactyly 4. Also called: Polysyndactyly uncomplicated; Preaxial polydactyly 4. Identifiers: Orphanet 93338, MedGen C1868111, MONDO:0008272, OMIM 174700.
Polydactyly, postaxial, type A1. Identifiers: MedGen C4282400, MONDO:0008266, OMIM 174200.
Inborn genetic diseases. Identifiers: MedGen C0950123, MeSH D030342.
GLI3-related disorder. Also called: GLI3-related disorders; GLI3-related condition. Identifiers: MedGen CN239292.

Allele frequency attached by ClinVar (database versions not stated): gnomAD 0.00005 and 0.00006; ExAC 0.00006; TOPMed 0.00006; ESP Exome Variant Server 0.00008.
gnomAD v4.1: 96 of 1,613,084 alleles (0.006%); highest among the groups gnomAD compares: Non-Finnish European, 0.0075%; no homozygotes.

Submissions (5):

Ambry Genetics
Classification: Likely benign for Inborn genetic diseases. Last evaluated: 2024-09-10. Review status: criteria provided, single submitter. Criteria: Ambry Variant Classification Scheme 2023. Collection method: clinical testing. Allele origin: germline.

Labcorp Genetics (formerly Invitae), Labcorp
Classification: Likely benign for Pallister-Hall syndrome; Greig cephalopolysyndactyly syndrome. Last evaluated: 2024-09-03. Review status: criteria provided, single submitter. Criteria: Invitae Variant Classification Sherloc (09022015). Collection method: clinical testing. Allele origin: germline.

Fulgent Genetics
Classification: Likely benign for Pallister-Hall syndrome; Polydactyly, postaxial, type A1; Polysyndactyly 4; Greig cephalopolysyndactyly syndrome. Last evaluated: 2024-06-01. Review status: criteria provided, single submitter. Criteria: ACMG Guidelines, 2015. Collection method: clinical testing. Allele origin: germline.

GeneDx
Classification: Uncertain significance. Last evaluated: 2023-10-20. Review status: criteria provided, single submitter. Criteria: GeneDx Variant Classification Process June 2021. Collection method: clinical testing. Allele origin: germline. Affected: yes.
Comment: In silico analysis supports that this missense variant does not alter protein structure/function; Has not been previously published as pathogenic or benign to our knowledge

PreventionGenetics, part of Exact Sciences
Classification: Likely benign for GLI3-related condition. Last evaluated: 2023-06-12. Review status: no assertion criteria provided. Collection method: clinical testing. Allele origin: germline. Not counted in ClinVar's aggregate classification.
Comment: This variant is classified as likely benign based on ACMG/AMP sequence variant interpretation guidelines (Richards et al. 2015 PMID: 25741868, with internal and published modifications).